The following is an entry in ClinVar:

NM_000257.4(MYH7):c.2561A>C (p.Glu854Ala)

Genes: MYH7 (myosin heavy chain 7; minus strand), LOC126861898 (BRD4-independent group 4 enhancer GRCh37_chr14:23893609-23894808; plus strand). Cytogenetic location: 14q11.2.
Variant type: single nucleotide variant.
Coding change: c.2561A>C on transcript NM_000257.4 (MANE Select); coding-DNA position 2561, A replaced by C.
Protein change: p.Glu854Ala; replaces glutamic acid 854 with alanine.
Molecular consequence: missense variant.
Genome position (GRCh38, 1-based): chr14:23,424,887, T>G on the plus strand (A>C on the coding strand, the complement: MYH7 is on the minus strand). VCF-style: chr14-23424887-T-G. GRCh37 (hg19) VCF-style: chr14-23894096-T-G.
Other names: c.2561A>C, p.Glu854Ala (NM_001407004.1); short protein forms E854A.
Identifiers: ClinVar variation 3636030 (VCV003636030.2).

ClinVar aggregate classification (germline): Uncertain significance (1 of 4 stars; one submission).

Conditions:
Hypertrophic cardiomyopathy. Also called: HYPERTROPHIC MYOCARDIOPATHY. Identifiers: Orphanet 217569, MedGen C0007194, MeSH D002312, MONDO:0005045, HP:0001639.

Submission:

Labcorp Genetics (formerly Invitae), Labcorp
Classification: Uncertain significance for Hypertrophic cardiomyopathy. Last evaluated: 2024-05-28. Review status: criteria provided, single submitter. Criteria: Invitae Variant Classification Sherloc (09022015). Collection method: clinical testing. Allele origin: germline.
Comment: This sequence change replaces glutamic acid, which is acidic and polar, with alanine, which is neutral and non-polar, at codon 854 of the MYH7 protein (p.Glu854Ala). This variant is not present in population databases (gnomAD no frequency). This variant has not been reported in the literature in individuals affected with MYH7-related conditions. Advanced modeling of protein sequence and biophysical properties (such as structural, functional, and spatial information, amino acid conservation, physicochemical variation, residue mobility, and thermodynamic stability) performed at Invitae indicates that this missense variant is expected to disrupt MYH7 protein function with a positive predictive value of 95%. In summary, the available evidence is currently insufficient to determine the role of this variant in disease. Therefore, it has been classified as a Variant of Uncertain Significance.